The following is an entry in ClinVar:

NM_006612.6(KIF1C):c.3082C>T (p.His1028Tyr)

Gene: KIF1C (kinesin family member 1C; plus strand). Cytogenetic location: 17p13.2.
Variant type: single nucleotide variant.
Coding change: c.3082C>T on transcript NM_006612.6 (MANE Select); coding-DNA position 3082, C replaced by T.
Protein change: p.His1028Tyr; replaces histidine 1028 with tyrosine.
Molecular consequence: missense variant.
Genome position (GRCh38, 1-based): chr17:5,023,921, C>T. VCF-style: chr17-5023921-C-T. GRCh37 (hg19) VCF-style: chr17-4927216-C-T.
Other names: short protein forms H1028Y.
Identifiers: ClinVar variation 2102215 (VCV002102215.4), dbSNP rs1439556561, ClinGen allele CA397319531.

ClinVar aggregate classification (germline): Uncertain significance (1 of 4 stars; one submission).

Conditions:
Spastic ataxia 2. Also called: Ataxia, spastic, 2, autosomal recessive. Identifiers: Orphanet 397946, MedGen C1969796, MONDO:0012651, OMIM 611302.

gnomAD v4.1: 1 of 1,566,082 alleles (0.000064%); no homozygotes.

Submission:

Labcorp Genetics (formerly Invitae), Labcorp
Classification: Uncertain significance for Spastic ataxia 2. Last evaluated: 2022-02-22. Review status: criteria provided, single submitter. Criteria: Invitae Variant Classification Sherloc (09022015). Collection method: clinical testing. Allele origin: germline.
Comment: In summary, the available evidence is currently insufficient to determine the role of this variant in disease. Therefore, it has been classified as a Variant of Uncertain Significance. Algorithms developed to predict the effect of missense changes on protein structure and function are either unavailable or do not agree on the potential impact of this missense change (SIFT: "Deleterious"; PolyPhen-2: "Benign"; Align-GVGD: "Class C0"). This variant has not been reported in the literature in individuals affected with KIF1C-related conditions. This variant is not present in population databases (gnomAD no frequency). This sequence change replaces histidine, which is basic and polar, with tyrosine, which is neutral and polar, at codon 1028 of the KIF1C protein (p.His1028Tyr).